The following is an entry in ClinVar:

ClinVar aggregate classification (germline): Pathogenic (1 of 4 stars; one submission).

Submission:

Labcorp Genetics (formerly Invitae), Labcorp
Classification: Pathogenic. Last evaluated: 2022-01-14. Review status: criteria provided, single submitter. Criteria: Invitae Variant Classification Sherloc (09022015). Collection method: clinical testing. Allele origin: germline.
Comment: For these reasons, this variant has been classified as Pathogenic. This variant has not been reported in the literature in individuals affected with PRPF31-related conditions. This variant is not present in population databases (gnomAD no frequency). This sequence change creates a premature translational stop signal (p.Lys76Serfs*15) in the PRPF31 gene. It is expected to result in an absent or disrupted protein product. Loss-of-function variants in PRPF31 are known to be pathogenic (PMID: 18317597, 23950152).

Literature cited by the submitters: PubMed 18317597; PubMed 23950152.

NM_015629.4(PRPF31):c.221_224dup (p.Lys76fs)

Gene: PRPF31 (pre-mRNA processing factor 31; plus strand). Cytogenetic location: 19q13.42.
Variant type: Microsatellite.
Coding change: c.221_224dup on transcript NM_015629.4 (MANE Select); coding-DNA positions 221 to 224, 4 bases duplicated (AAGC; older notation c.221_224dupAAGC).
Protein change: p.Lys76fs; shifts the reading frame from lysine 76.
Molecular consequence: frameshift variant.
Genome position (GRCh38, 1-based): chr19:54,118,616-54,118,619, AAGC duplicated; duplicating any 4 consecutive bases within chr19:54,118,609-54,118,619 gives the same sequence; the c. name uses the placement nearest the transcript's 3' end. VCF-style (leftmost placement, unchanged base first): chr19-54118608-C-CAGCA. GRCh37 (hg19) VCF-style: chr19-54621988-C-CAGCA.
Other names: short protein forms K76fs.
Identifiers: ClinVar variation 2076748 (VCV002076748.4), dbSNP rs2516083955, ClinGen allele CA2580614965.